The following is an entry in ClinVar:

ClinVar aggregate classification (germline): Uncertain significance (1 of 4 stars; one submission).

Conditions:
Cardiovascular phenotype. Identifiers: MedGen CN230736.

Submission:

Ambry Genetics
Classification: Uncertain significance for Cardiovascular phenotype. Last evaluated: 2024-12-28. Review status: criteria provided, single submitter. Criteria: Ambry Variant Classification Scheme 2023. Collection method: clinical testing. Allele origin: germline.
Comment: The p.Y409C variant (also known as c.1226A>G), located in coding exon 14 of the CACNA2D1 gene, results from an A to G substitution at nucleotide position 1226. The tyrosine at codon 409 is replaced by cysteine, an amino acid with highly dissimilar properties. This amino acid position is conserved. In addition, this alteration is predicted to be deleterious by in silico analysis. Based on the available evidence, the clinical significance of this variant remains unclear.

NM_000722.4(CACNA2D1):c.1226A>G (p.Tyr409Cys)

Genes: CACNA2D1 (calcium voltage-gated channel auxiliary subunit alpha2delta 1; minus strand), CACNA2D1-AS1 (CACNA2D1 antisense RNA 1; plus strand). Cytogenetic location: 7q21.11.
Variant type: single nucleotide variant.
Coding change: c.1226A>G on transcript NM_000722.4 (MANE Select); coding-DNA position 1226, A replaced by G.
Protein change: p.Tyr409Cys; replaces tyrosine 409 with cysteine.
Molecular consequence: missense variant.
Genome position (GRCh38, 1-based): chr7:82,013,507, T>C on the plus strand (A>G on the coding strand, the complement: CACNA2D1 is on the minus strand). VCF-style: chr7-82013507-T-C. GRCh37 (hg19) VCF-style: chr7-81642823-T-C.
Other names: c.1226A>G, p.Tyr409Cys (NM_001366867.1); short protein forms Y409C.
Identifiers: ClinVar variation 3826693 (VCV003826693.1).